The following is an entry in ClinVar:

ClinVar aggregate classification (germline): Uncertain significance (1 of 4 stars; one submission).

Conditions:
T-B+ severe combined immunodeficiency due to JAK3 deficiency. Also called: SCID, autosomal recessive, T-negative/B-positive type; SCID, T CELL-NEGATIVE, B CELL-POSITIVE, NK CELL-NEGATIVE. Identifiers: Orphanet 35078, MedGen C1833275, MONDO:0010938, OMIM 600802.

Submission:

Labcorp Genetics (formerly Invitae), Labcorp
Classification: Uncertain significance for T-B+ severe combined immunodeficiency due to JAK3 deficiency. Last evaluated: 2022-07-12. Review status: criteria provided, single submitter. Criteria: Invitae Variant Classification Sherloc (09022015). Collection method: clinical testing. Allele origin: germline.
Comment: In summary, the available evidence is currently insufficient to determine the role of this variant in disease. Therefore, it has been classified as a Variant of Uncertain Significance. Algorithms developed to predict the effect of sequence changes on RNA splicing suggest that this variant may create or strengthen a splice site. Advanced modeling of protein sequence and biophysical properties (such as structural, functional, and spatial information, amino acid conservation, physicochemical variation, residue mobility, and thermodynamic stability) performed at Invitae indicates that this missense variant is not expected to disrupt JAK3 protein function. ClinVar contains an entry for this variant (Variation ID: 1392754). This variant has not been reported in the literature in individuals affected with JAK3-related conditions. This variant is not present in population databases (gnomAD no frequency). This sequence change replaces aspartic acid, which is acidic and polar, with glutamic acid, which is acidic and polar, at codon 979 of the JAK3 protein (p.Asp979Glu).

NM_000215.4(JAK3):c.2937C>G (p.Asp979Glu)

Gene: JAK3 (Janus kinase 3; minus strand). Cytogenetic location: 19p13.11.
Variant type: single nucleotide variant.
Coding change: c.2937C>G on transcript NM_000215.4 (MANE Select); coding-DNA position 2937, C replaced by G.
Protein change: p.Asp979Glu; replaces aspartic acid 979 with glutamic acid.
Molecular consequence: missense variant.
Genome position (GRCh38, 1-based): chr19:17,831,269, G>C on the plus strand (C>G on the coding strand, the complement: JAK3 is on the minus strand). VCF-style: chr19-17831269-G-C. GRCh37 (hg19) VCF-style: chr19-17942078-G-C.
Other names: short protein forms D979E.
Identifiers: ClinVar variation 1392754 (VCV001392754.6), dbSNP rs2147675743, ClinGen allele CA404765226.
Genomic context (GRCh38, chr19:17,831,269, plus strand): 5'-CTAGGCGCGGGTTCCCCACCAGAAAATGGGGCTCTGGCCTGGCTCGCGGACCACGTAGTA[G>C]TCTTTGTCAAGCGGCAGCAGCTTAGCTAGGCCGAAGTCAGCGATCTTGACGTGTGCCTCG-3'
Protein context (NP_000206.2, residues 969-989): GLAKLLPLDK[Asp979Glu]YYVVREPGQS